The following is an entry in ClinVar:

ClinVar aggregate classification (germline): Likely pathogenic (1 of 4 stars; one submission).

Conditions:
Familial dysautonomia. Also called: HSAN III; FD. Identifiers: Orphanet 1764, MedGen C0013364, MONDO:0009131, OMIM 223900. Disease mechanism: loss of function.

Submission:

Natera, Inc.
Classification: Likely pathogenic for Familial dysautonomia. Last evaluated: 2025-11-17. Review status: criteria provided, single submitter. Criteria: Natera Variant Classification Schema (03/2026). Collection method: clinical testing. Allele origin: germline.
Comment: The c.2182C>T variant in ELP1 is a nonsense variant predicted to introduce a stop codon at amino acid 728. This variant is expected to result in nonsense mediated decay, truncation, or a dysfunctional protein product. This variant is rare in the general population with a frequency below the threshold expected for the associated phenotype(s). Given the available evidence, this variant is classified as Likely Pathogenic.

NM_003640.5(ELP1):c.2182C>T (p.Gln728Ter)

Gene: ELP1 (elongator acetyltransferase complex subunit 1; minus strand). Cytogenetic location: 9q31.3.
Variant type: single nucleotide variant.
Coding change: c.2182C>T on transcript NM_003640.5 (MANE Select); coding-DNA position 2182, C replaced by T.
Protein change: p.Gln728Ter; replaces glutamine 728 with a stop codon.
Molecular consequence: nonsense.
Genome position (GRCh38, 1-based): chr9:108,899,844, G>A on the plus strand (C>T on the coding strand, the complement: ELP1 is on the minus strand). VCF-style: chr9-108899844-G-A. GRCh37 (hg19) VCF-style: chr9-111662124-G-A.
Other names: c.1840C>T, p.Gln614Ter (NM_001318360.2); c.1135C>T, p.Gln379Ter (NM_001330749.2); short protein forms Q379*, Q614*, Q728*.
Identifiers: ClinVar variation 4815188 (VCV004815188.1).